The following is an entry in ClinVar:

ClinVar aggregate classification (germline): Pathogenic/Likely pathogenic. Review status: criteria provided, multiple submitters, no conflicts (2 of 4 stars). 5 submissions from 5 submitters: Pathogenic (4); Likely pathogenic (1). Last evaluated 2026-06-08.

Conditions:
Neurofibromatosis, type 2 (SWNV). Also called: BILATERAL ACOUSTIC NEUROFIBROMATOSIS; NF2-Related Schwannomatosis; SCHWANNOMATOSIS, VESTIBULAR. Identifiers: Orphanet 637, MedGen C0027832, MONDO:0007039, OMIM 101000. Disease mechanism: loss of function.
Hereditary cancer-predisposing syndrome. Also called: Hereditary Cancer Syndrome; Hereditary neoplastic syndrome; Tumor predisposition; Neoplastic Syndromes, Hereditary. Identifiers: Orphanet 140162, MedGen C0027672, MeSH D009386, MONDO:0015356.

Submissions (5):

GeneDx
Classification: Pathogenic. Last evaluated: 2026-06-08. Review status: criteria provided, single submitter. Criteria: GeneDx Variant Classification Process June 2021. Collection method: clinical testing. Allele origin: germline.
Comment: Canonical splice site variant predicted to result in an in-frame loss of the adjacent exon in a gene for which loss of function is a known mechanism of disease; Not observed at significant frequency in large population cohorts (gnomAD); This variant is associated with the following publications: (PMID: 25525159, 37087513, 7535084, 35638454, 40249415, 38302265)

Ambry Genetics
Classification: Likely pathogenic for Hereditary cancer-predisposing syndrome. Last evaluated: 2025-04-11. Review status: criteria provided, single submitter. Criteria: Ambry Variant Classification Scheme 2023. Collection method: clinical testing. Allele origin: germline.
Comment: The c.516+1G>A intronic variant results from a G to A substitution one nucleotide after coding exon 5 of the NF2 gene. Alterations that disrupt the canonical splice site are expected to result in aberrant splicing. In silico splice site analysis predicts that this alteration will weaken the native splice donor site. A resulting transcript is predicted to be in-frame and is not expected to trigger nonsense-mediated mRNA decay. RT-PCR assay demonstrated an in-frame deletion, resulting in the skipping of CDS5 (Oishi N et al. Sci Rep, 2023 Apr;13:6595). This variant was reported in individual(s) with features consistent with NF2-related schwannomatosis (Oishi N et al. Sci Rep, 2023 Apr;13:6595; personal communication; Ambry internal data). This variant is considered to be rare based on population cohorts in the Genome Aggregation Database (gnomAD). Based on the majority of available evidence to date, this variant is likely to be pathogenic.

Labcorp Genetics (formerly Invitae), Labcorp
Classification: Pathogenic for Neurofibromatosis, type 2. Last evaluated: 2024-11-29. Review status: criteria provided, single submitter. Criteria: Invitae Variant Classification Sherloc (09022015). Collection method: clinical testing. Allele origin: germline.
Comment: This sequence change affects a donor splice site in intron 5 of the NF2 gene. It is expected to disrupt RNA splicing. Variants that disrupt the donor or acceptor splice site typically lead to a loss of protein function (PMID: 16199547), and loss-of-function variants in NF2 are known to be pathogenic (PMID: 9643284, 16983642). This variant is not present in population databases (gnomAD no frequency). Disruption of this splice site has been observed in individuals with neurofibromatosis type 2 or clinical features thereof (PMID: 7535084, 15684865; internal data). This variant is also known as "GGgt to GGat at junction of codons 172/173". ClinVar contains an entry for this variant (Variation ID: 646675). Algorithms developed to predict the effect of sequence changes on RNA splicing suggest that this variant may disrupt the consensus splice site. For these reasons, this variant has been classified as Pathogenic.

ENT and Head and Neck Research Center and Department,  The Five Senses Health Institute, Iran University of Medical Sciences
Classification: Pathogenic for Neurofibromatosis, type 2. Last evaluated: 2024-08-18. Review status: criteria provided, single submitter. Criteria: ACMG Guidelines, 2015. Collection method: clinical testing. Allele origin: de novo. Affected: yes.
Comment: PVS1: Null variant (nonsense) in gene NF2, predicted to cause NMD. Loss-of-function is a known mechanism of disease (gene has 273 reported pathogenic LOF variants). The exon contains 22 pathogenic variants. The truncated region contains 72 pathogenic variants PP5: Combined evidence strength is Moderate (score = 2).Moderate: ClinVar classifies this variant as Pathogenic, 1 star (reviewed Nov '22, 1 submission of which 1 is from high confidence submitter) PM2: Combined evidence strength is Moderate (score = 2).Moderate: ClinVar classifies this variant as Pathogenic, 1 star (reviewed Nov '22, 1 submission of which 1 is from high confidence submitter).

Laboratory for Molecular Medicine, Mass General Brigham Personalized Medicine
Classification: Pathogenic for Neurofibromatosis, type 2. Last evaluated: 2023-11-01. Review status: criteria provided, single submitter. Criteria: ACMG Guidelines, 2015. Collection method: clinical testing. Allele origin: germline. Inheritance: Autosomal dominant inheritance.
Comment: The c.516+1G>A variant in NF2 has been reported in at least two individuals with features of neurofibromatosis type 2 (Merel 1995 PMID 7535084, Wallace 2004 PMID 15684865, Invitae personal communication). It was absent from large population studies. This variant has also been reported in ClinVar (Variation ID 646675). This variant occurs within the canonical splice site (+/- 1,2) and is predicted to cause altered splicing leading to an abnormal or absent protein. Loss of function of the NF2 gene is an established disease mechanism in autosomal dominant neurofibromatosis type 2. In summary, this variant meets criteria to be classified as pathogenic for autosomal dominant neurofibromatosis type 2. ACMG/AMP Criteria applied: PVS1, PM2_Supporting, PS4_Supporting.

Literature cited by the submitters: PubMed 37087513 (cited by Ambry Genetics); PubMed 16199547 (cited by Labcorp Genetics (formerly Invitae), Labcorp); PubMed 9643284 (cited by Labcorp Genetics (formerly Invitae), Labcorp); PubMed 16983642 (cited by Labcorp Genetics (formerly Invitae), Labcorp); PubMed 7535084 (cited by 3 submitters); PubMed 15684865 (cited by Labcorp Genetics (formerly Invitae), Labcorp and Laboratory for Molecular Medicine, Mass General Brigham Personalized Medicine); PubMed 40249415 (cited by ENT and Head and Neck Research Center and Department,  The Five Senses Health Institute, Iran University of Medical Sciences); PubMed 31273341 (cited by Laboratory for Molecular Medicine, Mass General Brigham Personalized Medicine).

NM_000268.4(NF2):c.516+1G>A

Gene: NF2 (NF2, moesin-ezrin-radixin like (MERLIN) tumor suppressor; plus strand). Cytogenetic location: 22q12.2.
Variant type: single nucleotide variant.
Coding change: c.516+1G>A on transcript NM_000268.4 (MANE Select); the canonical splice donor site of the intron after coding-DNA position 516, G replaced by A.
Molecular consequence: splice donor variant. On other transcripts: intron variant (1).
Genome position (GRCh38, 1-based): chr22:29,654,726, G>A. VCF-style: chr22-29654726-G-A. GRCh37 (hg19) VCF-style: chr22-30050715-G-A.
Other names: c.516+1G>A (NM_016418.5, NM_181832.3, NM_001407060.1 and 4 more transcripts); c.402+1G>A (NM_001407056.1, NM_001407053.1); c.285+1G>A (NM_001407067.1); c.-125+1G>A (NM_001407065.1); c.447+12441G>A (NM_181833.3); c.393+1G>A (NM_001407058.1, NM_181829.3, NM_001407054.1 and 1 more transcripts); c.390+1G>A (NM_181828.3, NM_001407055.1); c.267+1G>A (NM_001407063.1, NM_181830.3, NM_001407064.1 and 1 more transcripts).
Identifiers: ClinVar variation 646675 (VCV000646675.13), dbSNP rs1601612044, ClinGen allele CA411142263.